The following is an entry in ClinVar:

ClinVar aggregate classification (germline): Uncertain significance (1 of 4 stars; one submission).

Submission:

Labcorp Genetics (formerly Invitae), Labcorp
Classification: Uncertain significance. Last evaluated: 2025-07-27. Review status: criteria provided, single submitter. Criteria: Invitae Variant Classification Sherloc (09022015). Collection method: clinical testing. Allele origin: germline.
Comment: This sequence change replaces tryptophan, which is neutral and slightly polar, with arginine, which is basic and polar, at codon 136 of the SPP2 protein (p.Trp136Arg). This variant is not present in population databases (gnomAD no frequency). This variant has not been reported in the literature in individuals affected with SPP2-related conditions. An algorithm developed to predict the effect of missense changes on protein structure and function outputs the following: PolyPhen-2: "Possibly Damaging". The arginine amino acid residue is found in multiple mammalian species, which suggests that this missense change does not adversely affect protein function. In summary, the available evidence is currently insufficient to determine the role of this variant in disease. Therefore, it has been classified as a Variant of Uncertain Significance.

NM_006944.3(SPP2):c.406T>A (p.Trp136Arg)

Gene: SPP2 (secreted phosphoprotein 2; plus strand). Cytogenetic location: 2q37.1.
Variant type: single nucleotide variant.
Coding change: c.406T>A on transcript NM_006944.3 (MANE Select); coding-DNA position 406, T replaced by A.
Protein change: p.Trp136Arg; replaces tryptophan 136 with arginine.
Molecular consequence: missense variant.
Genome position (GRCh38, 1-based): chr2:234,060,441, T>A. VCF-style: chr2-234060441-T-A. GRCh37 (hg19) VCF-style: chr2-234969085-T-A.
Other names: short protein forms W136R.
Identifiers: ClinVar variation 4745506 (VCV004745506.1).